The following is an entry in ClinVar:

ClinVar aggregate classification (germline): Pathogenic (1 of 4 stars; one submission).

Conditions:
Ehlers-Danlos syndrome, classic type, 1 (EDSCL1). Also called: EHLERS-DANLOS SYNDROME, GRAVIS TYPE; EHLERS-DANLOS SYNDROME, SEVERE CLASSIC TYPE; Ehlers-Danlos syndrome, type 1; Ehlers-Danlos Syndrome, Classic Type, COL5A1-Related; EDS I. Identifiers: MedGen C0268335, MONDO:0019567, OMIM 130000.
Osteogenesis imperfecta type I (OI1). Also called: OI, TYPE I; OSTEOGENESIS IMPERFECTA TARDA; OSTEOGENESIS IMPERFECTA WITH BLUE SCLERAE; Osteogenesis imperfecta type 1; Lobstein's Disease; Lobstein disease. Identifiers: Orphanet 216796, Orphanet 666, MedGen C0023931, MONDO:0008146, OMIM 166200. Disease mechanism: loss of function.

Submission:

Labcorp Genetics (formerly Invitae), Labcorp
Classification: Pathogenic for Osteogenesis imperfecta type I; Ehlers-Danlos syndrome, classic type, 1. Last evaluated: 2022-10-25. Review status: criteria provided, single submitter. Criteria: Invitae Variant Classification Sherloc (09022015). Collection method: clinical testing. Allele origin: germline.
Comment: This sequence change creates a premature translational stop signal (p.Gly91*) in the COL1A2 gene. It is expected to result in an absent or disrupted protein product. Loss-of-function variants in COL1A2 are known to be pathogenic (PMID: 11288717, 15077201). This variant is not present in population databases (gnomAD no frequency). This variant has not been reported in the literature in individuals affected with COL1A2-related conditions. ClinVar contains an entry for this variant (Variation ID: 1445261). For these reasons, this variant has been classified as Pathogenic.

Literature cited by the submitters: PubMed 11288717; PubMed 15077201.

NM_000089.4(COL1A2):c.271G>T (p.Gly91Ter)

Gene: COL1A2 (collagen type I alpha 2 chain; plus strand). Cytogenetic location: 7q21.3.
Variant type: single nucleotide variant.
Coding change: c.271G>T on transcript NM_000089.4 (MANE Select); coding-DNA position 271, G replaced by T.
Protein change: p.Gly91Ter; replaces glycine 91 with a stop codon.
Molecular consequence: nonsense.
Genome position (GRCh38, 1-based): chr7:94,401,612, G>T. VCF-style: chr7-94401612-G-T. GRCh37 (hg19) VCF-style: chr7-94030924-G-T.
Other names: short protein forms G91*.
Identifiers: ClinVar variation 1445261 (VCV001445261.6), dbSNP rs764355552, ClinGen allele CA368219393.